The following is an entry in ClinVar:

ClinVar aggregate classification (germline): Uncertain significance (1 of 4 stars; one submission).

Conditions:
Gorlin syndrome. Also called: Nevoid Basal Cell Carcinoma Syndrome; Basal cell nevus syndrome. Identifiers: Orphanet 377, MedGen C0004779, MONDO:0007187.
Medulloblastoma (MDB). Also called: MEDULLOBLASTOMA PREDISPOSITION SYNDROME; Medulloblastoma, somatic. Identifiers: Orphanet 616, MedGen C0025149, MeSH D008527, MONDO:0007959, OMIM 155255, HP:0002885.

Submission:

Labcorp Genetics (formerly Invitae), Labcorp
Classification: Uncertain significance for Gorlin syndrome; Medulloblastoma. Last evaluated: 2025-10-03. Review status: criteria provided, single submitter. Criteria: Invitae Variant Classification Sherloc (09022015). Collection method: clinical testing. Allele origin: germline.
Comment: This sequence change replaces proline, which is neutral and non-polar, with arginine, which is basic and polar, at codon 232 of the SUFU protein (p.Pro232Arg). This variant is not present in population databases (gnomAD no frequency). This variant has not been reported in the literature in individuals affected with SUFU-related conditions. Invitae Evidence Modeling of protein sequence and biophysical properties (such as structural, functional, and spatial information, amino acid conservation, physicochemical variation, residue mobility, and thermodynamic stability) indicates that this missense variant is not expected to disrupt SUFU protein function with a negative predictive value of 80%. In summary, the available evidence is currently insufficient to determine the role of this variant in disease. Therefore, it has been classified as a Variant of Uncertain Significance.

NM_016169.4(SUFU):c.695C>G (p.Pro232Arg)

Gene: SUFU (SUFU negative regulator of hedgehog signaling; plus strand). Cytogenetic location: 10q24.32.
Variant type: single nucleotide variant.
Coding change: c.695C>G on transcript NM_016169.4 (MANE Select); coding-DNA position 695, C replaced by G.
Protein change: p.Pro232Arg; replaces proline 232 with arginine.
Molecular consequence: missense variant.
Genome position (GRCh38, 1-based): chr10:102,594,004, C>G. VCF-style: chr10-102594004-C-G. GRCh37 (hg19) VCF-style: chr10-104353761-C-G.
Other names: c.695C>G, p.Pro232Arg (NM_001178133.2); short protein forms P232R.
Identifiers: ClinVar variation 4783317 (VCV004783317.1).
Genomic context (GRCh38, chr10:102,594,004, plus strand): 5'-TCAGCCCCAGACCCTCAGTTACCATTGTATCCCCTTTCCTTGTCCACAGTGCTGGCGGCC[C>G]CTGGCTGATAACTGACATGCGGAGGGGAGAGACCATATTTGAGATCGATCCACACCTGCA-3'
Protein context (NP_057253.2, residues 222-242): LLRTVPIAGG[Pro232Arg]WLITDMRRGE